The following is an entry in ClinVar:

NM_015570.4(AUTS2):c.522+1G>A

Gene: AUTS2 (activator of transcription and developmental regulator AUTS2; plus strand). Cytogenetic location: 7q11.22.
Variant type: single nucleotide variant.
Coding change: c.522+1G>A on transcript NM_015570.4 (MANE Select); the canonical splice donor site of the intron after coding-DNA position 522, G replaced by A.
Molecular consequence: splice donor variant.
Genome position (GRCh38, 1-based): chr7:69,899,499, G>A. VCF-style: chr7-69899499-G-A. GRCh37 (hg19) VCF-style: chr7-69364485-G-A.
Other names: c.522+1G>A (NM_001127231.3, NM_001127232.3).
Identifiers: ClinVar variation 3340669 (VCV003340669.2).

ClinVar aggregate classification (germline): Pathogenic (1 of 4 stars; one submission).

gnomAD v4.1: 1 of 1,613,938 alleles (0.000062%); highest among the groups gnomAD compares: Non-Finnish European, 0.000085%; no homozygotes.

Submission:

GeneDx
Classification: Pathogenic. Last evaluated: 2026-09-23. Review status: criteria provided, single submitter. Criteria: GeneDx Variant Classification Process June 2021. Collection method: clinical testing. Allele origin: germline.
Comment: Deletions involving coding exons of this gene are a known mechanism of disease (HGMD); Canonical splice site variant predicted to result in an in-frame loss of the adjacent exon in a gene for which loss of function is a known mechanism of disease; Not observed at significant frequency in large population cohorts (gnomAD); Has not been previously published as pathogenic or benign to our knowledge